The following is an entry in ClinVar:

ClinVar aggregate classification (germline): Pathogenic (1 of 4 stars; one submission).

Submission:

GeneDx
Classification: Pathogenic. Last evaluated: 2018-05-31. Review status: criteria provided, single submitter. Criteria: GeneDx Variant Classification (06012015). Collection method: clinical testing. Allele origin: germline. Affected: yes.
Comment: This deletion of two nucleotides in MEN1 is denoted c.219_220delCG at the cDNA level and p.Gly74ProfsX42 (G74PfsX42) at the protein level. The normal sequence, with the bases that are deleted in brackets, is CTGG[delCG]GCCT. The deletion causes a frameshift which changes a Glycine to a Proline at codon 74, and creates a premature stop codon at position 42 of the new reading frame. This variant is predicted to cause loss of normal protein function through either protein truncation or nonsense-mediated mRNA decay. MEN1 c.219_220delCG has been observed in at least one individual with multiple endocrine neoplasia type 1 (Sharretts 2011). We consider this variant to be pathogenic.

NM_001370259.2(MEN1):c.219_220del (p.Gly74fs)

Gene: MEN1 (menin 1; minus strand). Cytogenetic location: 11q13.1.
Variant type: Deletion.
Coding change: c.219_220del on transcript NM_001370259.2 (MANE Select); coding-DNA positions 219 to 220, 2 bases deleted (CG; older notation c.219_220delCG).
Protein change: p.Gly74fs; shifts the reading frame from glycine 74.
Molecular consequence: frameshift variant.
Genome position (GRCh38, 1-based): chr11:64,809,890-64,809,891, CG deleted on the plus strand (CG on the coding strand, the reverse complement: MEN1 is on the minus strand); deleting any 2 consecutive bases within chr11:64,809,890-64,809,892 gives the same sequence; the c. name uses the placement nearest the transcript's 3' end. VCF-style (leftmost placement, unchanged base first): chr11-64809889-CCG-C. GRCh37 (hg19) VCF-style: chr11-64577361-CCG-C.
Other names: c.219_220delCG (NM_130799.2); c.219_220del, p.Gly74fs (NM_000244.4, NM_001370251.2, NM_001370260.2 and 9 more transcripts); short protein forms G74fs.
Identifiers: ClinVar variation 817595 (VCV000817595.2), dbSNP rs1592659414, ClinGen allele CA915948190.